The following is an entry in ClinVar:

NM_003060.4(SLC22A5):c.760C>T (p.Arg254Ter)

Gene: SLC22A5 (solute carrier family 22 member 5; plus strand). Cytogenetic location: 5q31.1.
Variant type: single nucleotide variant.
Coding change: c.760C>T on transcript NM_003060.4 (MANE Select); coding-DNA position 760, C replaced by T.
Protein change: p.Arg254Ter; replaces arginine 254 with a stop codon.
Molecular consequence: nonsense.
Genome position (GRCh38, 1-based): chr5:132,385,435, C>T. VCF-style: chr5-132385435-C-T. GRCh37 (hg19) VCF-style: chr5-131721127-C-T.
Other names: c.832C>T, p.Arg278Ter (NM_001308122.2); short protein forms R254*, R278*.
Identifiers: ClinVar variation 6426 (VCV000006426.47), dbSNP rs121908893, ClinGen allele CA340590.

ClinVar aggregate classification (germline): Pathogenic. Review status: criteria provided, multiple submitters, no conflicts (2 of 4 stars). 16 submissions from 16 submitters: Pathogenic (14). 2 of the submissions do not count toward it. Last evaluated 2026-01-26.

Conditions:
Carnitine deficiency. Identifiers: MedGen C1142132.
SLC22A5-related disorder. Also called: SLC22A5-related condition.
Renal carnitine transport defect (CDSP). Also called: Carnitine Deficiency, Systemic; CARNITINE DEFICIENCY, SYSTEMIC, DUE TO DEFECT IN RENAL REABSORPTION OF CARNITINE; CARNITINE TRANSPORTER, PLASMA-MEMBRANE, DEFICIENCY OF; CARNITINE UPTAKE DEFECT; Systemic primary carnitine deficiency disease; Primary carnitine deficiency. Identifiers: Orphanet 158, MedGen C0342788, MONDO:0008919, OMIM 212140.

Allele frequency attached by ClinVar (database versions not stated): 1000 Genomes Project 0.00040; 1000 Genomes Project 30x 0.00078; TOPMed 0.00007.
gnomAD v4.1: 37 of 1,614,136 alleles (0.0023%); highest among the groups gnomAD compares: East Asian, 0.067%; no homozygotes.

Submissions (16):

Medical and Scientific Branch, Hong Kong Genome Institute
Classification: Pathogenic for Renal carnitine transport defect. Last evaluated: 2026-01-26. Review status: criteria provided, single submitter. Criteria: ACMG Guidelines, 2015. Collection method: clinical testing. Allele origin: unknown. Affected: yes.

Labcorp Genetics (formerly Invitae), Labcorp
Classification: Pathogenic for Renal carnitine transport defect. Last evaluated: 2026-01-14. Review status: criteria provided, single submitter. Criteria: Invitae Variant Classification Sherloc (09022015). Collection method: clinical testing. Allele origin: germline.
Comment: This sequence change creates a premature translational stop signal (p.Arg254*) in the SLC22A5 gene. It is expected to result in an absent or disrupted protein product. Loss-of-function variants in SLC22A5 are known to be pathogenic (PMID: 9916797). This variant is present in population databases (rs121908893, gnomAD 0.1%). This premature translational stop signal has been observed in individuals with primary carnitine deficiency (PMID: 12204000, 15303004, 17703373, 20208395, 26252091). ClinVar contains an entry for this variant (Variation ID: 6426). For these reasons, this variant has been classified as Pathogenic.

Natera, Inc.
Classification: Pathogenic for Carnitine deficiency. Last evaluated: 2025-11-21. Review status: criteria provided, single submitter. Criteria: Natera Variant Classification Schema (03/2026). Collection method: clinical testing. Allele origin: germline.
Comment: The c.760C>T variant in SLC22A5 is a nonsense variant predicted to introduce a stop codon at amino acid 254. This variant is expected to result in nonsense mediated decay, truncation, or a dysfunctional protein product. This variant is rare in the general population with a frequency below the threshold expected for the associated phenotype(s). This variant has been observed in one or more individuals affected with the associated recessive disease, as either homozygous or compound heterozygous with a second variant (PMID: 28841266). Given the available evidence, this variant is classified as Pathogenic.

Department of Genetics of Metabolic Diseases, Institute of Medical & Molecular Genetics, Hospital Universitario Hospital La Paz
Classification: Pathogenic for Renal carnitine transport defect. Last evaluated: 2024-09-01. Review status: criteria provided, single submitter. Criteria: ACMG Guidelines, 2015. Collection method: clinical testing. Allele origin: germline. Inheritance: Autosomal recessive inheritance. Affected: yes.
Comment: The variant NM_003060.3:c.760C>T p.(Arg254*) in SLC22A5 is predicted to result in a premature stop codon leading to a truncated protein that lacks more than half of its sequence or to its degradation by a nonsense-mediated decay mechanism. This variant is present at low frequency in gnomAD (0,01131%) and it has been reported previously in individuals with primary carnitine deficiency (PMID: 12204000,35193651, Hidalgo Mayoral I et al., in press).

Fulgent Genetics
Classification: Pathogenic for Renal carnitine transport defect. Last evaluated: 2024-04-15. Review status: criteria provided, single submitter. Criteria: ACMG Guidelines, 2015. Collection method: clinical testing. Allele origin: germline.

Revvity Omics, Revvity
Classification: Pathogenic for Renal carnitine transport defect. Last evaluated: 2021-09-17. Review status: criteria provided, single submitter. Criteria: ACMG Guidelines, 2015. Collection method: clinical testing. Allele origin: germline.

Genome-Nilou Lab
Classification: Pathogenic for Renal carnitine transport defect. Last evaluated: 2021-07-15. Review status: criteria provided, single submitter. Criteria: ACMG Guidelines, 2015. Collection method: clinical testing. Allele origin: germline. Affected: no.

Blueprint Genetics
Classification: Pathogenic for SLC22A5-related disorders. Last evaluated: 2020-03-02. Review status: criteria provided, single submitter. Criteria: ACMG Guidelines, 2015. Collection method: clinical testing. Allele origin: germline. Affected: yes. Observed: 5 variant alleles.

Myriad Genetics, Inc.
Classification: Pathogenic for Renal carnitine transport defect. Last evaluated: 2019-12-09. Review status: criteria provided, single submitter. Criteria: Myriad Women's Health Autosomal Recessive and X-Linked Classification Criteria (2019). Collection method: clinical testing. Allele origin: unknown.
Comment: NM_003060.3(SLC22A5):c.760C>T(R254*) is classified as pathogenic in the context of primary carnitine deficiency. Sources cited for classification include the following: PMID 23379544, 17703373 and 20574985. Classification of NM_003060.3(SLC22A5):c.760C>T(R254*) is based on the following criteria: The variant causes a premature termination codon that is expected to be targeted by nonsense-mediated mRNA decay and is reported in individuals with the relevant phenotype. Please note: this variant was assessed in the context of healthy population screening.

GeneDx
Classification: Pathogenic. Last evaluated: 2018-11-02. Review status: criteria provided, single submitter. Criteria: GeneDx Variant Classification (06012015). Collection method: clinical testing. Allele origin: germline. Affected: yes.
Comment: The R254X nonsense variant in the SLC22A5 gene has been reported previously in the homozygous and compound heterozygous states in association with primary/systemic carnitine deficiency, and is considered a founder mutation in the Chinese population (Tang et al., 2002; Hitomi et al., 2015). This pathogenic variant is predicted to cause loss of normal protein function either through protein truncation or nonsense-mediated mRNA decay. The R254X variant is observed in 13/8654 (0.15%) alleles from individuals of East Asian background in the ExAC dataset, and no individuals were reported to be homozygous (Lek et al., 2016). We interpret R254X as a pathogenic variant.

ARUP Laboratories, Molecular Genetics and Genomics, ARUP Laboratories
Classification: Pathogenic. Last evaluated: 2017-04-12. Review status: criteria provided, single submitter. Criteria: ARUP Molecular Germline Variant Investigation Process. Collection method: clinical testing. Allele origin: germline.

Women's Health and Genetics/Laboratory Corporation of America, LabCorp
Classification: Pathogenic for Renal carnitine transport defect. Last evaluated: 2016-12-30. Review status: criteria provided, single submitter. Criteria: LabCorp Variant Classification Summary - May 2015. Collection method: clinical testing. Allele origin: germline.
Comment: Variant summary: The SLC22A5 variant, c.760C>T (p.Arg254X) causes a nonsense mutation resulting in a predicted truncated protein, a known mechanism for decay. The variant of interest has been observed in controls with an allele frequency of 14/121906 (1/8710), which does not exceed the estimated maximum expected allele frequency for a pathogenic SLC22A5 variant of 1/219. Multiple publications cite the variant in homozygous affected individuals, which are indicated to have low carnitine levels. In addition, multiple databases/clinical diagnostic laboratories cite the variant as "pathogenic." Therefore, the variant of interest has been classified as "pathogenic."

Eurofins Ntd Llc (ga)
Classification: Pathogenic. Last evaluated: 2014-02-16. Review status: criteria provided, single submitter. Criteria: EGL Classification Definitions 2015. Collection method: clinical testing. Allele origin: germline. Observed: 9 variant alleles, 7 heterozygotes, 2 homozygotes.

Juno Genomics, Hangzhou Juno Genomics, Inc
Classification: Pathogenic for Renal carnitine transport defect. Review status: criteria provided, single submitter. Criteria: ACMG Guidelines, 2015. Collection method: clinical testing. Allele origin: germline.
Comment: Absent from controls (or at extremely low frequency if recessive) in Genome Aggregation Database.;Null variant in a gene where loss of function (LOF) is a known mechanism of disease.;For recessive disorders, detected in trans with a pathogenic variant.;Patient's phenotype or family history is highly specific for a disease with a single genetic etiology.;Co-segregation with disease in multiple affected family members.

OMIM
Classification: Pathogenic for CARNITINE DEFICIENCY, SYSTEMIC PRIMARY. Last evaluated: 2007-07-01. Review status: no assertion criteria provided. Collection method: literature only. Allele origin: germline. Not counted in ClinVar's aggregate classification.

Neonatal Disease Screening Center, Medical Genetics Center, Huaihua City Maternal and Child Health Care Hospital
Classification: Pathogenic for Renal carnitine transport defect. Review status: no assertion criteria provided. Criteria: ACMG Guidelines, 2015. Collection method: clinical testing. Allele origin: germline. Affected: yes. Observed: 2 variant alleles. Not counted in ClinVar's aggregate classification.
Comment: PVS1+PM3_VS+PP1+PP4

Literature cited by the submitters: PubMed 9916797 (cited by Labcorp Genetics (formerly Invitae), Labcorp); PubMed 12204000 (cited by 3 submitters); PubMed 15303004 (cited by Labcorp Genetics (formerly Invitae), Labcorp and OMIM); PubMed 17703373 (cited by Labcorp Genetics (formerly Invitae), Labcorp and Myriad Genetics, Inc.); PubMed 20208395 (cited by Labcorp Genetics (formerly Invitae), Labcorp); PubMed 26252091 (cited by Labcorp Genetics (formerly Invitae), Labcorp); PubMed 28841266 (cited by Natera, Inc.); PubMed 41022664 (cited by Department of Genetics of Metabolic Diseases, Institute of Medical & Molecular Genetics, Hospital Universitario Hospital La Paz); PubMed 23379544 (cited by Myriad Genetics, Inc. and Women's Health and Genetics/Laboratory Corporation of America, LabCorp); PubMed 20574985 (cited by Myriad Genetics, Inc.); PubMed 9700603 (cited by OMIM); PubMed 17594400 (cited by OMIM).